The following is an entry in ClinVar:

NM_201384.3(PLEC):c.5474C>T (p.Ala1825Val)

Gene: PLEC (plectin; minus strand). Cytogenetic location: 8q24.3.
Variant type: single nucleotide variant.
Coding change: c.5474C>T on transcript NM_201384.3 (MANE Select); coding-DNA position 5474, C replaced by T.
Protein change: p.Ala1825Val; replaces alanine 1825 with valine.
Molecular consequence: missense variant.
Genome position (GRCh38, 1-based): chr8:143,924,455, G>A on the plus strand (C>T on the coding strand, the complement: PLEC is on the minus strand). VCF-style: chr8-143924455-G-A. GRCh37 (hg19) VCF-style: chr8-144998623-G-A.
Other names: c.5555C>T (NM_000445.3); c.5555C>T, p.Ala1852Val (NM_000445.5); c.5432C>T, p.Ala1811Val (NM_201378.4); c.5408C>T, p.Ala1803Val (NM_201379.3); c.5885C>T, p.Ala1962Val (NM_201380.4); c.5378C>T, p.Ala1793Val (NM_201381.3); c.5474C>T, p.Ala1825Val (NM_201382.4); c.5486C>T, p.Ala1829Val (NM_201383.3); short protein forms A1793V, A1803V, A1811V, A1825V, A1829V, A1852V, A1962V.
Identifiers: ClinVar variation 499642 (VCV000499642.13), dbSNP rs781844059, ClinGen allele CA4926354.

ClinVar aggregate classification (germline): Uncertain significance. Review status: criteria provided, multiple submitters, no conflicts (2 of 4 stars). 4 submissions from 4 submitters: Uncertain significance (4). Last evaluated 2026-01-18.

Conditions:
Inborn genetic diseases. Identifiers: MedGen C0950123, MeSH D030342.
Epidermolysis bullosa simplex 5B, with muscular dystrophy (EBS5B). Also called: EPIDERMOLYSIS BULLOSA SIMPLEX AND LIMB-GIRDLE MUSCULAR DYSTROPHY; Epidermolysis bullosa simplex with muscular dystrophy. Identifiers: Orphanet 257, MedGen C2931072, MONDO:0009181, OMIM 226670.
Epidermolysis bullosa simplex, Ogna type (EBS5A). Also called: Pidermolysis bullosa simplex 5A, Ogna type; EPIDERMOLYSIS BULLOSA SIMPLEX 5A, OGNA TYPE. Identifiers: Orphanet 79401, MedGen C0432317, MONDO:0007555, OMIM 131950.
Autosomal recessive limb-girdle muscular dystrophy type 2Q (LGMDR17). Also called: MUSCULAR DYSTROPHY, LIMB-GIRDLE, AUTOSOMAL RECESSIVE 17. Identifiers: Orphanet 254361, MedGen C3150989, MONDO:0013390, OMIM 613723.
Epidermolysis bullosa simplex 5C, with pyloric atresia (EBS5C). Also called: Epidermolysis bullosa simplex with pyloric atresia; PLEC1-Related Epidermolysis Bullosa with Pyloric Atresia; PLEC-Related Epidermolysis Bullosa with Pyloric Atresia. Identifiers: Orphanet 158684, MedGen C2677349, MONDO:0012807, OMIM 612138.
Epidermolysis bullosa simplex with nail dystrophy (EBS5D). Identifiers: MedGen C4225309, MONDO:0014661, OMIM 616487.

Allele frequency attached by ClinVar (database versions not stated): gnomAD exomes 0.00002; gnomAD 0.00003; TOPMed 0.00004; ExAC 0.00007.
gnomAD v4.1: 46 of 1,551,142 alleles (0.003%); highest among the groups gnomAD compares: Non-Finnish European, 0.0035%; no homozygotes.

Submissions (4):

Labcorp Genetics (formerly Invitae), Labcorp
Classification: Uncertain significance for Autosomal recessive limb-girdle muscular dystrophy type 2Q; Epidermolysis bullosa simplex, Ogna type; Epidermolysis bullosa simplex with nail dystrophy; Epidermolysis bullosa simplex 5C, with pyloric atresia; Epidermolysis bullosa simplex 5B, with muscular dystrophy. Last evaluated: 2026-01-18. Review status: criteria provided, single submitter. Criteria: Invitae Variant Classification Sherloc (09022015). Collection method: clinical testing. Allele origin: germline.
Comment: This sequence change replaces alanine, which is neutral and non-polar, with valine, which is neutral and non-polar, at codon 1852 of the PLEC protein (p.Ala1852Val). The frequency data for this variant in the population databases is considered unreliable, as metrics indicate poor data quality at this position in the gnomAD database. This variant has not been reported in the literature in individuals affected with PLEC-related conditions. ClinVar contains an entry for this variant (Variation ID: 499642). An algorithm developed to predict the effect of missense changes on protein structure and function outputs the following: PolyPhen-2: "Not Available". The valine amino acid residue is found in multiple mammalian species, which suggests that this missense change does not adversely affect protein function. In summary, the available evidence is currently insufficient to determine the role of this variant in disease. Therefore, it has been classified as a Variant of Uncertain Significance.

Ambry Genetics
Classification: Uncertain significance for Inborn genetic diseases. Last evaluated: 2022-07-26. Review status: criteria provided, single submitter. Criteria: Ambry Variant Classification Scheme 2023. Collection method: clinical testing. Allele origin: germline.

Eurofins Ntd Llc (ga)
Classification: Uncertain significance. Last evaluated: 2017-01-16. Review status: criteria provided, single submitter. Criteria: EGL Classification Definitions 2015. Collection method: clinical testing. Allele origin: germline. Observed: 1 variant allele, 1 heterozygote.

Breakthrough Genomics
Classification: Uncertain significance. Review status: criteria provided, single submitter. Criteria: ACMG Guidelines, 2015. Collection method: not provided. Allele origin: germline. Inheritance: Autosomal recessive inheritance. Affected: yes.